The following is an entry in ClinVar:

NM_002968.3(SALL1):c.1867A>G (p.Lys623Glu)

Gene: SALL1 (spalt like transcription factor 1; minus strand). Cytogenetic location: 16q12.1.
Variant type: single nucleotide variant.
Coding change: c.1867A>G on transcript NM_002968.3 (MANE Select); coding-DNA position 1867, A replaced by G.
Protein change: p.Lys623Glu; replaces lysine 623 with glutamic acid.
Molecular consequence: missense variant.
Genome position (GRCh38, 1-based): chr16:51,140,355, T>C on the plus strand (A>G on the coding strand, the complement: SALL1 is on the minus strand). VCF-style: chr16-51140355-T-C. GRCh37 (hg19) VCF-style: chr16-51174266-T-C.
Other names: c.1576A>G, p.Lys526Glu (NM_001127892.2); short protein forms K526E, K623E.
Identifiers: ClinVar variation 2629861 (VCV002629861.1), dbSNP rs2506489844, ClinGen allele CA395887149.
Genomic context (GRCh38, chr16:51,140,355, plus strand): 5'-TCAGGACGCTACTGCTCGCCGTCGGGACTGAGTTGGTGACCATGCCACTCTCTTCGCTTT[T>C]GCCACCAGAGGGTGGCAGAGTGGACCCTTCGGCTTCCTCTGGGAGCCCACCTAGGTTTCT-3'
Protein context (NP_002959.2, residues 613-633): EGSTLPPSGG[Lys623Glu]SEESGMVTNS

ClinVar aggregate classification (germline): Uncertain significance (1 of 4 stars; one submission).

Conditions:
SALL1-related disorder. Also called: SALL1-related condition.

Submission:

PreventionGenetics, part of Exact Sciences
Classification: Uncertain significance for SALL1-related condition. Last evaluated: 2023-01-11. Review status: criteria provided, single submitter. Criteria: ACMG Guidelines, 2015. Collection method: clinical testing. Allele origin: germline.
Comment: The SALL1 c.1867A>G variant is predicted to result in the amino acid substitution p.Lys623Glu. To our knowledge, this variant has not been reported in the literature or in a large population database, indicating this variant is rare. At this time, the clinical significance of this variant is uncertain due to the absence of conclusive functional and genetic evidence.